The following is an entry in ClinVar:

NM_000834.5(GRIN2B):c.2632G>A (p.Glu878Lys)

Gene: GRIN2B (glutamate ionotropic receptor NMDA type subunit 2B; minus strand). Cytogenetic location: 12p13.1.
Variant type: single nucleotide variant.
Coding change: c.2632G>A on transcript NM_000834.5 (MANE Select); coding-DNA position 2632, G replaced by A.
Protein change: p.Glu878Lys; replaces glutamic acid 878 with lysine.
Molecular consequence: missense variant.
Genome position (GRCh38, 1-based): chr12:13,564,606, C>T on the plus strand (G>A on the coding strand, the complement: GRIN2B is on the minus strand). VCF-style: chr12-13564606-C-T. GRCh37 (hg19) VCF-style: chr12-13717540-C-T.
Other names: c.2632G>A, p.Glu878Lys (NM_001413992.1); short protein forms E878K.
Identifiers: ClinVar variation 2096002 (VCV002096002.4), dbSNP rs201426340, ClinGen allele CA6461011.

ClinVar aggregate classification (germline): Uncertain significance (1 of 4 stars; one submission).

Conditions:
Developmental and epileptic encephalopathy, 27 (DEE27). Also called: GRIN2B-Related Neurodevelopmental Disorder; Epileptic encephalopathy, early infantile, 27. Identifiers: Orphanet 3451, MedGen C4015316, MONDO:0014505, OMIM 616139.
Intellectual developmental disorder, autosomal dominant 6, with or without seizures. Also called: Intellectual disability, autosomal dominant 6; GRIN2B-related developmental delay, intellectual disability and autism spectrum disorder. Identifiers: Orphanet 589547, MedGen C3151411, MONDO:0013509, OMIM 613970.

Allele frequency attached by ClinVar (database versions not stated): gnomAD exomes below 0.00001; ExAC 0.00001; gnomAD 0.00002; 1000 Genomes Project 30x 0.00016.
gnomAD v4.1: 9 of 1,613,818 alleles (0.00056%); highest among the groups gnomAD compares: African/African-American, 0.0027%; no homozygotes.

Submission:

Labcorp Genetics (formerly Invitae), Labcorp
Classification: Uncertain significance for Developmental and epileptic encephalopathy, 27; Intellectual developmental disorder, autosomal dominant 6, with or without seizures. Last evaluated: 2025-08-29. Review status: criteria provided, single submitter. Criteria: Invitae Variant Classification Sherloc (09022015). Collection method: clinical testing. Allele origin: germline.
Comment: This sequence change replaces glutamic acid, which is acidic and polar, with lysine, which is basic and polar, at codon 878 of the GRIN2B protein (p.Glu878Lys). The frequency data for this variant in the population databases is considered unreliable, as metrics indicate poor data quality at this position in the gnomAD database. This variant has not been reported in the literature in individuals affected with GRIN2B-related conditions. ClinVar contains an entry for this variant (Variation ID: 2096002). Invitae Evidence Modeling of protein sequence and biophysical properties (such as structural, functional, and spatial information, amino acid conservation, physicochemical variation, residue mobility, and thermodynamic stability) indicates that this missense variant is not expected to disrupt GRIN2B protein function with a negative predictive value of 95%. In summary, the available evidence is currently insufficient to determine the role of this variant in disease. Therefore, it has been classified as a Variant of Uncertain Significance.